The following is an entry in ClinVar:

ClinVar aggregate classification (germline): Uncertain significance (1 of 4 stars; one submission).

gnomAD v4.1: 2 of 1,614,220 alleles (0.00012%); highest among the groups gnomAD compares: Admixed American, 0.0033%; no homozygotes.

Submission:

Labcorp Genetics (formerly Invitae), Labcorp
Classification: Uncertain significance. Last evaluated: 2023-08-04. Review status: criteria provided, single submitter. Criteria: Invitae Variant Classification Sherloc (09022015). Collection method: clinical testing. Allele origin: germline.
Comment: In summary, the available evidence is currently insufficient to determine the role of this variant in disease. Therefore, it has been classified as a Variant of Uncertain Significance. An algorithm developed to predict the effect of missense changes on protein structure and function (PolyPhen-2) suggests that this variant is likely to be tolerated. This variant has not been reported in the literature in individuals affected with MFF-related conditions. This variant is present in population databases (no rsID available, gnomAD 0.006%). This sequence change replaces alanine, which is neutral and non-polar, with valine, which is neutral and non-polar, at codon 60 of the MFF protein (p.Ala60Val).

NM_001277062.2(MFF):c.101C>T (p.Ala34Val)

Gene: MFF (mitochondrial fission factor; plus strand). Cytogenetic location: 2q36.3.
Variant type: single nucleotide variant.
Coding change: c.101C>T on transcript NM_001277062.2 (MANE Select); coding-DNA position 101, C replaced by T.
Protein change: p.Ala34Val; replaces alanine 34 with valine.
Molecular consequence: missense variant. On other transcripts: intron variant (1).
Genome position (GRCh38, 1-based): chr2:227,330,766, C>T. VCF-style: chr2-227330766-C-T. GRCh37 (hg19) VCF-style: chr2-228195482-C-T.
Other names: c.179C>T, p.Ala60Val (NM_001277061.2, NM_020194.5); c.101C>T, p.Ala34Val (NM_001277063.2, NM_001277064.2, NM_001277065.2 and 2 more transcripts); c.-35-15C>T (NM_001277067.1); short protein forms A34V, A60V.
Identifiers: ClinVar variation 2821968 (VCV002821968.3), dbSNP rs766707640, ClinGen allele CA350869385.